The following is an entry in ClinVar:

NM_000138.5(FBN1):c.2860C>T (p.Arg954Cys)

Gene: FBN1 (fibrillin 1; minus strand). Cytogenetic location: 15q21.1.
Variant type: single nucleotide variant.
Coding change: c.2860C>T on transcript NM_000138.5 (MANE Select); coding-DNA position 2860, C replaced by T.
Protein change: p.Arg954Cys; replaces arginine 954 with cysteine.
Molecular consequence: missense variant.
Genome position (GRCh38, 1-based): chr15:48,490,073, G>A on the plus strand (C>T on the coding strand, the complement: FBN1 is on the minus strand). VCF-style: chr15-48490073-G-A. GRCh37 (hg19) VCF-style: chr15-48782270-G-A.
Other names: short protein forms R954C.
Identifiers: ClinVar variation 495582 (VCV000495582.91), dbSNP rs1555398835, ClinGen allele CA392330212.
Genomic context (GRCh38, chr15:48,490,073, plus strand): 5'-GGCCAGCAATAGGCAGGGTGCACTCCTCGTCCTCGTACCTCAGGAAGCAGGTTTCCAGGC[G>A]GATATCTGTCAGAGGGAATCAAGGGAGGTTAAATAGAGCCACACGGCTTCCACTGCCCCA-3'
Protein context (NP_000129.3, residues 944-964): DATGRICLDI[Arg954Cys]LETCFLRYED

ClinVar aggregate classification (germline): Pathogenic/Likely pathogenic. Review status: criteria provided, multiple submitters, no conflicts (2 of 4 stars). 17 submissions from 17 submitters: Pathogenic (9); Likely pathogenic (4). 4 of the submissions do not count toward it. Last evaluated 2025-12-22.

Conditions:
Marfan Syndrome/Loeys-Dietz Syndrome/Familial Thoracic Aortic Aneurysms and Dissections. Identifiers: MedGen CN229799.
Familial thoracic aortic aneurysm and aortic dissection (TAAD). Also called: Thoracic aortic aneurysms and dissections. Identifiers: Orphanet 91387, MedGen C4707243, MONDO:0019625.
Marfan syndrome (MFS). Also called: Marfan syndrome type 1; MARFAN SYNDROME, TYPE I; Marfan's syndrome; FBN1-Related Marfan Syndrome; Marfan syndrome, classic. Identifiers: Orphanet 284963, Orphanet 558, MedGen C0024796, MONDO:0007947, OMIM 154700.
FBN1-related disorder. Also called: FBN1-related disorders.

Allele frequency attached by ClinVar (database versions not stated): gnomAD exomes below 0.00001.
gnomAD v4.1: 2 of 1,614,056 alleles (0.00012%); highest among the groups gnomAD compares: Non-Finnish European, 0.000085%; no homozygotes.

Submissions 1 to 10 of 17:

Ambry Genetics
Classification: Pathogenic for Familial thoracic aortic aneurysm and aortic dissection. Last evaluated: 2025-12-22. Review status: criteria provided, single submitter. Criteria: Ambry Variant Classification Scheme 2023. Collection method: clinical testing. Allele origin: germline.
Comment: The c.2860C>T (p.R954C) alteration is located in exon 25 (coding exon 24) of the FBN1 gene. This alteration results from a C to T substitution at nucleotide position 2860, causing the arginine (R) at amino acid position 954 to be replaced by a cysteine (C). This variant was not reported in population-based cohorts in the Genome Aggregation Database (gnomAD). This variant was reported in individual(s) with features consistent with Marfan syndrome (Deng, 2008; Faivre, 2009; Stheneur, 2009; Proost, 2015; Mannucci, 2020; Chen, 2022). This amino acid position is highly conserved in available vertebrate species. Based on internal structural analysis, the p.R954C variant is anticipated to disrupt a region of known function (Lee, 2004). This alteration is predicted to be deleterious by in silico analysis. Based on the available evidence, this alteration is classified as pathogenic.

Clinical Genetics Laboratory, Skane University Hospital Lund
Classification: Pathogenic for Marfan syndrome. Last evaluated: 2025-11-25. Review status: criteria provided, single submitter. Criteria: ACMG Guidelines, 2015. Collection method: clinical testing. Allele origin: germline. Affected: yes.
Comment: Classified using ClinGen FBN1 Expert Panel Specifications to the ACMG/AMP Variant Interpretation Guidelines Version 1. Criteria applied: PS4, PM2_supporting, PP1_strong, PP2 and PP3.

Labcorp Genetics (formerly Invitae), Labcorp
Classification: Pathogenic for Marfan syndrome; Familial thoracic aortic aneurysm and aortic dissection. Last evaluated: 2024-09-18. Review status: criteria provided, single submitter. Criteria: Invitae Variant Classification Sherloc (09022015). Collection method: clinical testing. Allele origin: germline.
Comment: This sequence change replaces arginine, which is basic and polar, with cysteine, which is neutral and slightly polar, at codon 954 of the FBN1 protein (p.Arg954Cys). This variant is not present in population databases (gnomAD no frequency). This missense change has been observed in individuals with ectopia lentis and this condition and with Marfan syndrome (PMID: 18615205, 19002209, 19293843, 19839986). It has also been observed to segregate with disease in related individuals. ClinVar contains an entry for this variant (Variation ID: 495582). Invitae Evidence Modeling of protein sequence and biophysical properties (such as structural, functional, and spatial information, amino acid conservation, physicochemical variation, residue mobility, and thermodynamic stability) indicates that this missense variant is expected to disrupt FBN1 protein function with a positive predictive value of 95%. For these reasons, this variant has been classified as Pathogenic.

Department of Human Genetics, Hannover Medical School
Classification: Likely pathogenic for Marfan syndrome. Last evaluated: 2024-01-10. Review status: criteria provided, single submitter. Criteria: ACMG Guidelines, 2015. Collection method: clinical testing. Allele origin: germline. Inheritance: Autosomal dominant inheritance. Affected: yes.

All of Us Research Program, National Institutes of Health
Classification: Pathogenic for Marfan syndrome. Last evaluated: 2023-07-11. Review status: criteria provided, single submitter. Criteria: ACMG Guidelines, 2015. Collection method: clinical testing. Allele origin: germline. Inheritance: Autosomal dominant inheritance. Observed: 1 variant allele, 1 heterozygote.
Comment: The c.2860C>T (p.Arg954Cys) variant of the FBN1 gene has been observed in multiple individuals (>10) from Marfan syndrome (MFS) cohorts or cohorts with Marfan-related disorders (PMID: 25907466, 21883168, 21332468, 29543232, 19002209, 17657824). This variant has also been reported to segregate in a family with 4 affected individuals having isolated late onset ectopia lentis and three young (<37yo) unaffected family members, suggesting incomplete penetrance (PMID: 18615205). This variant is a cysteine creating variant located in a highly conserved residue in one of the TGF-beta binding (TB) domains. TB domains contain eight conserved cysteine residues and the disulfide bridges formed between these residues are essential for protein folding; addition of a cysteine may interfere with proper disulfide bridge formation, disrupting protein structure (PMID: 20591885). In silico computational prediction tools suggest that this variant may have deleterious effect on the protein function (REVEL score: 0.935). This variant is absent in the general population database gnomAD and interpreted as likely pathogenic /pathogenic by several submitters in ClinVar database (ClinVar ID: 495582). Another amino acid substitutions at the same position (p.Arg954His, p.Arg954Pro) have been classified as likely pathogenic/pathogenic by multiple ClinVar submitters (ClinVar ID: 200005, 961251). Therefore, the c.2860C>T (p.Arg954Cys) variant in FBN1 is classified as pathogenic.

This study involves interpretation of variants in research participants for the purpose of population health screening. Participant phenotype was not available at the time of variant classification. Additional details can be found in publication PMID: 35346344, PMCID: PMC8962531

CeGaT Center for Human Genetics Tuebingen
Classification: Likely pathogenic. Last evaluated: 2023-07-01. Review status: criteria provided, single submitter. Criteria: CeGaT Center For Human Genetics Tuebingen Variant Classification Criteria Version 2. Collection method: clinical testing. Allele origin: germline. Affected: yes. Observed: 1 variant allele.
Comment: FBN1: PP1:Strong, PM2, PS4:Moderate, PP4

Blueprint Genetics
Classification: Pathogenic for FBN1-related disorders. Last evaluated: 2023-03-08. Review status: criteria provided, single submitter. Criteria: ACMG Guidelines, 2015. Collection method: clinical testing. Allele origin: germline. Affected: yes. Observed: 3 variant alleles.

Clinical Genomics Laboratory, Stanford Medicine
Classification: Pathogenic for Marfan syndrome. Last evaluated: 2022-09-19. Review status: criteria provided, single submitter. Criteria: ACMG Guidelines, 2015. Collection method: clinical testing. Allele origin: germline. Inheritance: Autosomal dominant inheritance. Affected: yes. Observed: 1 variant allele, 1 heterozygote.
Comment: The p.Arg954Cys variant in the FBN1 gene has been previously reported in at least 6 individuals who fulfilled the diagnostic criteria for Marfan syndrome (Radonic et al., 2011; Sheikhzadeh et al., 2012; Proost et al., 2015; Mannucci et al., 2020), as well as in individuals with ectopia lentis (Chen et al., 2022) and individuals with aortic dissection (Zhao et al., 2020). This variant was absent from large population databases, including the Genome Aggregation Database. This variant is present in ClinVar (Variation ID: 495582). This variant creates a cysteine residue and is located in an established functional domain of the fibrillin1 protein known as the TGF-beta binding domain. Other pathogenic/likely pathogenic variants have been described in this domain (Robinson et al., 2006). The arginine at position 954 is strongly evolutionarily conserved. Computational tools predict that the p.Arg954Cys variant is deleterious; however, the accuracy of in silico algorithms is limited. These data were assessed using the ACMG/AMP variant interpretation guidelines. In summary, there is sufficient evidence to classify the p.Arg954Cys variant as pathogenic for autosomal dominant Marfan syndrome based on the information above. [ACMG evidence codes used: PS4; PM1; PM2; PP3]

GeneDx
Classification: Likely pathogenic. Last evaluated: 2021-04-27. Review status: criteria provided, single submitter. Criteria: GeneDx Variant Classification Process June 2021. Collection method: clinical testing. Allele origin: germline. Affected: yes.
Comment: Not observed in large population cohorts (Lek et al., 2016); In silico analysis, which includes protein predictors and evolutionary conservation, supports a deleterious effect; This variant is associated with the following publications: (PMID: 32679894, 32209317, 31730815, 29543232, 19328768, 21332468, 19012347, 21883168, 19293843, 18615205, 19839986, 17657824, 19002209, 25907466)

Centre of Medical Genetics, University of Antwerp
Classification: Likely pathogenic for Marfan syndrome. Last evaluated: 2021-03-01. Review status: criteria provided, single submitter. Criteria: Submitter's publication. Collection method: research. Allele origin: unknown. Affected: yes. Observed: 2 variant alleles.
Comment: PM2, PM7, PP1, PP4